The following is an entry in ClinVar:

NM_025137.4(SPG11):c.6686G>A (p.Arg2229Gln)

Gene: SPG11 (SPG11 vesicle trafficking associated, spatacsin; minus strand). Cytogenetic location: 15q21.1.
Variant type: single nucleotide variant.
Coding change: c.6686G>A on transcript NM_025137.4 (MANE Select); coding-DNA position 6686, G replaced by A.
Protein change: p.Arg2229Gln; replaces arginine 2229 with glutamine.
Molecular consequence: missense variant.
Genome position (GRCh38, 1-based): chr15:44,567,492, C>T on the plus strand (G>A on the coding strand, the complement: SPG11 is on the minus strand). VCF-style: chr15-44567492-C-T. GRCh37 (hg19) VCF-style: chr15-44859690-C-T.
Other names: c.6347G>A, p.Arg2116Gln (NM_001160227.2); short protein forms R2229Q, R2116Q.
Identifiers: ClinVar variation 571936 (VCV000571936.8), dbSNP rs781690910, ClinGen allele CA7534048.

ClinVar aggregate classification (germline): Uncertain significance. Review status: criteria provided, multiple submitters, no conflicts (2 of 4 stars). 2 submissions from 2 submitters: Uncertain significance (2). Last evaluated 2025-04-27.

Conditions:
Inborn genetic diseases. Identifiers: MedGen C0950123, MeSH D030342.
Hereditary spastic paraplegia 11. Also called: Spastic paraplegia, mental retardation and thin corpus callosum; SPASTIC PARAPLEGIA, AUTOSOMAL RECESSIVE, COMPLICATED, WITH THIN CORPUS CALLOSUM; SPASTIC PARAPLEGIA, AUTOSOMAL RECESSIVE, WITH MENTAL IMPAIRMENT AND THIN CORPUS CALLOSUM; Nakamura Osame syndrome; Autosomal recessive hereditary spastic paraplegia, mental impairment, and thin corpus callosum; Spastic Paraplegia 11. Identifiers: Orphanet 2822, MedGen C1858479, MONDO:0011445, OMIM 604360.

Allele frequency attached by ClinVar (database versions not stated): ExAC 0.00001; gnomAD 0.00001; gnomAD exomes 0.00001; TOPMed 0.00005.
gnomAD v4.1: 41 of 1,613,922 alleles (0.0025%); highest among the groups gnomAD compares: Admixed American, 0.0033%; no homozygotes.

Submissions (2):

Ambry Genetics
Classification: Uncertain significance for Inborn genetic diseases. Last evaluated: 2025-04-27. Review status: criteria provided, single submitter. Criteria: Ambry Variant Classification Scheme 2023. Collection method: clinical testing. Allele origin: germline.

Labcorp Genetics (formerly Invitae), Labcorp
Classification: Uncertain significance for Hereditary spastic paraplegia 11. Last evaluated: 2022-07-18. Review status: criteria provided, single submitter. Criteria: Invitae Variant Classification Sherloc (09022015). Collection method: clinical testing. Allele origin: germline.
Comment: This sequence change replaces arginine, which is basic and polar, with glutamine, which is neutral and polar, at codon 2229 of the SPG11 protein (p.Arg2229Gln). This variant is present in population databases (rs781690910, gnomAD 0.005%). This variant has not been reported in the literature in individuals affected with SPG11-related conditions. ClinVar contains an entry for this variant (Variation ID: 571936). Algorithms developed to predict the effect of missense changes on protein structure and function are either unavailable or do not agree on the potential impact of this missense change (SIFT: "Deleterious"; PolyPhen-2: "Possibly Damaging"; Align-GVGD: "Class C0"). In summary, the available evidence is currently insufficient to determine the role of this variant in disease. Therefore, it has been classified as a Variant of Uncertain Significance.